The following is an entry in ClinVar:

ClinVar aggregate classification (germline): Uncertain significance. Review status: criteria provided, multiple submitters, no conflicts (2 of 4 stars). 6 submissions from 6 submitters: Uncertain significance (6). Last evaluated 2024-10-16.

Conditions:
Muscular dystrophy-dystroglycanopathy (congenital with brain and eye anomalies), type A3. Also called: Congenital muscular dystrophy-dystroglycanopathy with brain and eye anomalies, type A3; WALKER-WARBURG SYNDROME OR MUSCLE-EYE-BRAIN DISEASE, POMGNT1-RELATED; Muscular dystrophy-dystroglycanopathy (congenital with brain and eye anomalies), type A, 3. Identifiers: MedGen C3151519, MONDO:0009667, OMIM 253280.
Autosomal recessive limb-girdle muscular dystrophy type 2O. Also called: Limb-Girdle Muscular Dystrophy Type 3C; MUSCULAR DYSTROPHY-DYSTROGLYCANOPATHY (LIMB-GIRDLE), TYPE C, 3; MUSCULAR DYSTROPHY-DYSTROGLYCANOPATHY, LIMB-GIRDLE, POMGNT1-RELATED. Identifiers: Orphanet 206564, MedGen C3150417, MONDO:0013161, OMIM 613157.
Muscular dystrophy-dystroglycanopathy (congenital with impaired intellectual development), type B, 3. Also called: MUSCULAR DYSTROPHY, CONGENITAL, POMGNT1-RELATED; Muscular dystrophy-dystroglycanopathy (congenital with intellectual disability), type B3. Identifiers: MedGen C3150412, MONDO:0013155, OMIM 613151.
Inborn genetic diseases. Identifiers: MedGen C0950123, MeSH D030342.
Retinitis pigmentosa 76 (RP76). Identifiers: MedGen C4310704, MONDO:0014929, OMIM 617123.

Allele frequency attached by ClinVar (database versions not stated): TOPMed 0.00005; ESP Exome Variant Server 0.00015; gnomAD 0.00006.
gnomAD v4.1: 61 of 1,613,146 alleles (0.0038%); highest among the groups gnomAD compares: African/African-American, 0.016%; no homozygotes.

Submissions (6):

Blueprint Genetics
Classification: Uncertain significance. Last evaluated: 2024-10-16. Review status: criteria provided, single submitter. Criteria: ACMG Guidelines, 2015. Collection method: clinical testing. Allele origin: germline.

Ambry Genetics
Classification: Uncertain significance for Inborn genetic diseases. Last evaluated: 2023-03-02. Review status: criteria provided, single submitter. Criteria: Ambry Variant Classification Scheme 2023. Collection method: clinical testing. Allele origin: germline.

Labcorp Genetics (formerly Invitae), Labcorp
Classification: Uncertain significance for Autosomal recessive limb-girdle muscular dystrophy type 2O; Muscular dystrophy-dystroglycanopathy (congenital with impaired intellectual development), type B, 3. Last evaluated: 2022-10-03. Review status: criteria provided, single submitter. Criteria: Invitae Variant Classification Sherloc (09022015). Collection method: clinical testing. Allele origin: germline.
Comment: This sequence change replaces arginine, which is basic and polar, with glutamine, which is neutral and polar, at codon 609 of the POMGNT1 protein (p.Arg609Gln). This variant is present in population databases (rs371741722, gnomAD 0.008%). This variant has not been reported in the literature in individuals affected with POMGNT1-related conditions. ClinVar contains an entry for this variant (Variation ID: 1030589). Advanced modeling of protein sequence and biophysical properties (such as structural, functional, and spatial information, amino acid conservation, physicochemical variation, residue mobility, and thermodynamic stability) performed at Invitae indicates that this missense variant is not expected to disrupt POMGNT1 protein function. Algorithms developed to predict the effect of sequence changes on RNA splicing suggest that this variant may create or strengthen a splice site. In summary, the available evidence is currently insufficient to determine the role of this variant in disease. Therefore, it has been classified as a Variant of Uncertain Significance.

Fulgent Genetics
Classification: Uncertain significance for Muscular dystrophy-dystroglycanopathy (congenital with brain and eye anomalies), type A3; Muscular dystrophy-dystroglycanopathy (congenital with impaired intellectual development), type B, 3; Autosomal recessive limb-girdle muscular dystrophy type 2O; Retinitis pigmentosa 76. Last evaluated: 2022-04-20. Review status: criteria provided, single submitter. Criteria: ACMG Guidelines, 2015. Collection method: clinical testing. Allele origin: unknown.

Revvity Omics, Revvity
Classification: Uncertain significance. Last evaluated: 2020-12-30. Review status: criteria provided, single submitter. Criteria: ACMG Guidelines, 2015. Collection method: clinical testing. Allele origin: germline.

Baylor Genetics
Classification: Uncertain significance for Muscular dystrophy-dystroglycanopathy (congenital with brain and eye anomalies), type A3. Last evaluated: 2019-03-14. Review status: criteria provided, single submitter. Criteria: ACMG Guidelines, 2015. Collection method: clinical testing. Allele origin: paternal. Affected: yes.
Comment: This variant was determined to be of uncertain significance according to ACMG Guidelines, 2015 [PMID:25741868].

NM_017739.4(POMGNT1):c.1826G>A (p.Arg609Gln)

Genes: POMGNT1 (protein O-linked mannose N-acetylglucosaminyltransferase 1 (beta 1,2-); minus strand), TSPAN1 (tetraspanin 1; plus strand). Cytogenetic location: 1p34.1.
Variant type: single nucleotide variant.
Coding change: c.1826G>A on transcript NM_017739.4 (MANE Select); coding-DNA position 1826, G replaced by A.
Protein change: p.Arg609Gln; replaces arginine 609 with glutamine.
Molecular consequence: missense variant.
Genome position (GRCh38, 1-based): chr1:46,189,527, C>T on the plus strand (G>A on the coding strand, the complement: POMGNT1 is on the minus strand). VCF-style: chr1-46189527-C-T. GRCh37 (hg19) VCF-style: chr1-46655199-C-T.
Other names: c.1826G>A, p.Arg609Gln (NM_001243766.2, NM_001410783.1); c.1760G>A, p.Arg587Gln (NM_001290129.3); c.1397G>A, p.Arg466Gln (NM_001290130.2); short protein forms R587Q, R609Q, R466Q.
Identifiers: ClinVar variation 1030589 (VCV001030589.9), dbSNP rs371741722, ClinGen allele CA833219.